The following is an entry in ClinVar:

NM_004360.5(CDH1):c.242G>T (p.Gly81Val)

Gene: CDH1 (cadherin 1; plus strand). Cytogenetic location: 16q22.1.
Variant type: single nucleotide variant.
Coding change: c.242G>T on transcript NM_004360.5 (MANE Select); coding-DNA position 242, G replaced by T.
Protein change: p.Gly81Val; replaces glycine 81 with valine.
Molecular consequence: missense variant. On other transcripts: 5 prime UTR variant (2).
Genome position (GRCh38, 1-based): chr16:68,801,748, G>T. VCF-style: chr16-68801748-G-T. GRCh37 (hg19) VCF-style: chr16-68835651-G-T.
Other names: c.242G>T, p.Gly81Val (NM_001317184.2); c.-1374G>T (NM_001317185.2); c.-1578G>T (NM_001317186.2); short protein forms G81V.
Identifiers: ClinVar variation 949077 (VCV000949077.10), dbSNP rs1960510759, ClinGen allele CA396457227.
Genomic context (GRCh38, chr16:68,801,748, plus strand): 5'-CCGGTCGACAAAGGACAGCCTATTTTTCCCTCGACACCCGATTCAAAGTGGGCACAGATG[G>T]TGTGATTACAGTCAAAAGGCCTCTACGGTTTCATAACCCACAGATCCATTTCTTGGTCTA-3'
Protein context (NP_004351.1, residues 71-91): LDTRFKVGTD[Gly81Val]VITVKRPLRF

ClinVar aggregate classification (germline): Uncertain significance (1 of 4 stars; one submission).

Conditions:
Hereditary diffuse gastric adenocarcinoma (HDGC). Also called: DIFFUSE GASTRIC AND LOBULAR BREAST CANCER SYNDROME. Identifiers: Orphanet 26106, MedGen C1708349, MONDO:0007648, OMIM 137215.

Submission:

Labcorp Genetics (formerly Invitae), Labcorp
Classification: Uncertain significance for Hereditary diffuse gastric adenocarcinoma. Last evaluated: 2019-04-14. Review status: criteria provided, single submitter. Criteria: Invitae Variant Classification Sherloc (09022015). Collection method: clinical testing. Allele origin: germline.
Comment: This sequence change replaces glycine with valine at codon 81 of the CDH1 protein (p.Gly81Val). The glycine residue is highly conserved and there is a moderate physicochemical difference between glycine and valine. This variant is not present in population databases (ExAC no frequency). This variant has not been reported in the literature in individuals with CDH1-related conditions. Algorithms developed to predict the effect of missense changes on protein structure and function are either unavailable or do not agree on the potential impact of this missense change (SIFT: "Deleterious"; PolyPhen-2: "Probably Damaging"; Align-GVGD: "Class C0"). In summary, the available evidence is currently insufficient to determine the role of this variant in disease. Therefore, it has been classified as a Variant of Uncertain Significance.